The following is an entry in ClinVar:

NC_000011.10:g.(?_61393874)_(61398286_?)del

Gene: TMEM216 (transmembrane protein 216; plus strand). Cytogenetic location: 11q12.2.
Variant type: Deletion.
Identifiers: ClinVar variation 831692 (VCV000831692.9).

ClinVar aggregate classification (germline): Likely pathogenic (1 of 4 stars; one submission).

Conditions:
Joubert syndrome. Also called: CEREBELLOPARENCHYMAL DISORDER IV; JOUBERT-BOLTSHAUSER SYNDROME; Familial aplasia of the vermis. Identifiers: Orphanet 475, MedGen C5979921, MONDO:0018772.

Submission:

Labcorp Genetics (formerly Invitae), Labcorp
Classification: Likely pathogenic for Joubert syndrome. Last evaluated: 2022-04-08. Review status: criteria provided, single submitter. Criteria: Invitae Variant Classification Sherloc (09022015). Collection method: clinical testing. Allele origin: germline.
Comment: This variant is a gross deletion of the genomic region encompassing exon(s) 3-5 of the TMEM216 gene, which includes the termination codon. This deletion extends beyond the assayed region for this gene and therefore may encompass additional genes. While this deletion is not anticipated to lead to nonsense mediated decay, it is expected to alter mRNA translation or result in a truncated protein product. This variant has not been reported in the literature in individuals affected with TMEM216-related conditions. This variant disrupts the p.Arg73 amino acid residue in TMEM216. Other variant(s) that disrupt this residue have been determined to be pathogenic (PMID: 20036350, 20512146, 22282472, 26092869, 26673778). This suggests that this residue is clinically significant, and that variants that disrupt this residue are likely to be disease-causing. In summary, the currently available evidence indicates that the variant is pathogenic, but additional data are needed to prove that conclusively. Therefore, this variant has been classified as Likely Pathogenic.

Literature cited by the submitters: PubMed 20036350; PubMed 20512146; PubMed 22282472; PubMed 26092869; PubMed 26673778.